The following is an entry in ClinVar:

ClinVar aggregate classification (germline): Uncertain significance (1 of 4 stars; one submission).

Conditions:
Cardiovascular phenotype. Identifiers: MedGen CN230736.

Allele frequency attached by ClinVar (database versions not stated): gnomAD exomes below 0.00001; gnomAD 0.00001.
gnomAD v4.1: 3 of 1,549,506 alleles (0.00019%); highest among the groups gnomAD compares: Non-Finnish European, 0.00026%; no homozygotes.

Submission:

Ambry Genetics
Classification: Uncertain significance for Cardiovascular phenotype. Last evaluated: 2019-12-10. Review status: criteria provided, single submitter. Criteria: Ambry Variant Classification Scheme 2023. Collection method: clinical testing. Allele origin: germline.
Comment: The p.A3488S variant (also known as c.10462G>T), located in coding exon 2 of the ZNF469 gene, results from a G to T substitution at nucleotide position 10462. The alanine at codon 3488 is replaced by serine, an amino acid with similar properties. This amino acid position is well conserved in available vertebrate species. In addition, this alteration is predicted to be tolerated by in silico analysis. Since supporting evidence is limited at this time, the clinical significance of this alteration remains unclear.

NM_001367624.2(ZNF469):c.10546G>T (p.Ala3516Ser)

Gene: ZNF469 (zinc finger protein 469; plus strand). Cytogenetic location: 16q24.2.
Variant type: single nucleotide variant.
Coding change: c.10546G>T on transcript NM_001367624.2 (MANE Select); coding-DNA position 10546, G replaced by T.
Protein change: p.Ala3516Ser; replaces alanine 3516 with serine.
Molecular consequence: missense variant.
Genome position (GRCh38, 1-based): chr16:88,438,016, G>T. VCF-style: chr16-88438016-G-T. GRCh37 (hg19) VCF-style: chr16-88504424-G-T.
Other names: NM_001127464.1:c.10462G>T; short protein forms A3516S.
Identifiers: ClinVar variation 1775382 (VCV001775382.2), dbSNP rs1906723871, ClinGen allele CA397127193.
Genomic context (GRCh38, chr16:88,438,016, plus strand): 5'-AGCAGCCCCATCCTGAGTGAGGGCTCTCTCCCGGCCCTGCTCCACCTGTGTTCGGAGGTG[G>T]CTCCCAGCACCACCAAGGGATGGCCCGAGACCCTAGAGAGGCCTGTAGACCCCGTGACCC-3'
Protein context (NP_001354553.1, residues 3506-3526): PALLHLCSEV[Ala3516Ser]PSTTKGWPET